The following is an entry in ClinVar:

ClinVar aggregate classification (germline): Uncertain significance (1 of 4 stars; one submission).

Allele frequency attached by ClinVar (database versions not stated): gnomAD exomes below 0.00001.
gnomAD v4.1: 1 of 1,536,252 alleles (0.000065%); highest among the groups gnomAD compares: Non-Finnish European, 0.000087%; no homozygotes.

Submission:

Labcorp Genetics (formerly Invitae), Labcorp
Classification: Uncertain significance. Last evaluated: 2022-08-16. Review status: criteria provided, single submitter. Criteria: Invitae Variant Classification Sherloc (09022015). Collection method: clinical testing. Allele origin: germline.
Comment: In summary, the available evidence is currently insufficient to determine the role of this variant in disease. Therefore, it has been classified as a Variant of Uncertain Significance. Experimental studies and prediction algorithms are not available or were not evaluated, and the functional significance of this variant is currently unknown. This variant has not been reported in the literature in individuals affected with C2CD3-related conditions. This variant is not present in population databases (gnomAD no frequency). This sequence change replaces glycine, which is neutral and non-polar, with glutamic acid, which is acidic and polar, at codon 2031 of the C2CD3 protein (p.Gly2031Glu). The C2CD3 gene has multiple clinically relevant transcripts. This variant occurs in alternate transcript NM_001286577.1, and corresponds to NM_015531.5:c.*530G>A in the primary transcript.

NM_001286577.2(C2CD3):c.6092G>A (p.Gly2031Glu)

Gene: C2CD3 (C2 domain containing 3 centriole elongation regulator; minus strand). Cytogenetic location: 11q13.4.
Variant type: single nucleotide variant.
Coding change: c.6092G>A on transcript NM_001286577.2 (MANE Select); coding-DNA position 6092, G replaced by A.
Protein change: p.Gly2031Glu; replaces glycine 2031 with glutamic acid.
Molecular consequence: missense variant.
Genome position (GRCh38, 1-based): chr11:74,034,068, C>T on the plus strand (G>A on the coding strand, the complement: C2CD3 is on the minus strand). VCF-style: chr11-74034068-C-T. GRCh37 (hg19) VCF-style: chr11-73745113-C-T.
Other names: short protein forms G2031E.
Identifiers: ClinVar variation 1922268 (VCV001922268.5), dbSNP rs2496202442, ClinGen allele CA381821737.